The following is an entry in ClinVar:

NM_001015877.2(PHF6):c.383G>A (p.Cys128Tyr)

Gene: PHF6 (PHD finger protein 6; plus strand). Cytogenetic location: Xq26.2.
Variant type: single nucleotide variant.
Coding change: c.383G>A on transcript NM_001015877.2 (MANE Select); coding-DNA position 383, G replaced by A.
Protein change: p.Cys128Tyr; replaces cysteine 128 with tyrosine.
Molecular consequence: missense variant.
Genome position (GRCh38, 1-based): chrX:134,393,917, G>A. VCF-style: chrX-134393917-G-A. GRCh37 (hg19) VCF-style: chrX-133527947-G-A.
Other names: c.383G>A, p.Cys128Tyr (NM_032335.3, NM_032458.3); short protein forms C128Y.
Identifiers: ClinVar variation 1709026 (VCV001709026.2), dbSNP rs2520543360, ClinGen allele CA414711852.

ClinVar aggregate classification (germline): Uncertain significance (1 of 4 stars; one submission).

Conditions:
Borjeson-Forssman-Lehmann syndrome (BFLS). Also called: MENTAL RETARDATION, X-LINKED, SYNDROMIC, BORJESON-FORSSMAN-LEHMANN TYPE; MENTAL RETARDATION, EPILEPSY, AND ENDOCRINE DISORDERS; BORJESON SYNDROME. Identifiers: Orphanet 127, MedGen C0265339, MONDO:0010537, OMIM 301900.

Submission:

MGZ Medical Genetics Center
Classification: Uncertain significance for Borjeson-Forssman-Lehmann syndrome. Last evaluated: 2022-03-22. Review status: criteria provided, single submitter. Criteria: ACMG Guidelines, 2015. Collection method: clinical testing. Allele origin: germline. Affected: yes. Observed: 1 variant allele.
Comment: ACMG criteria applied: PM2_SUP, PP3